The following is an entry in ClinVar:

NM_000256.3(MYBPC3):c.872G>T (p.Gly291Val)

Gene: MYBPC3 (myosin binding protein C3; minus strand). Cytogenetic location: 11p11.2.
Variant type: single nucleotide variant.
Coding change: c.872G>T on transcript NM_000256.3 (MANE Select); coding-DNA position 872, G replaced by T.
Protein change: p.Gly291Val; replaces glycine 291 with valine.
Molecular consequence: missense variant.
Genome position (GRCh38, 1-based): chr11:47,347,459, C>A on the plus strand (G>T on the coding strand, the complement: MYBPC3 is on the minus strand). VCF-style: chr11-47347459-C-A. GRCh37 (hg19) VCF-style: chr11-47369010-C-A.
Other names: c.872G>T, p.Gly291Val (LRG_386t1); short protein forms G291V.
Identifiers: ClinVar variation 518987 (VCV000518987.12), dbSNP rs1555122934, ClinGen allele CA380333314.

ClinVar aggregate classification (germline): Uncertain significance. Review status: criteria provided, multiple submitters, no conflicts (2 of 4 stars). 5 submissions from 5 submitters: Uncertain significance (5). Last evaluated 2024-09-06.

Conditions:
Cardiovascular phenotype. Identifiers: MedGen CN230736.
Hypertrophic cardiomyopathy. Also called: HYPERTROPHIC MYOCARDIOPATHY. Identifiers: Orphanet 217569, MedGen C0007194, MeSH D002312, MONDO:0005045, HP:0001639.

Submissions (5):

GeneDx
Classification: Uncertain significance. Last evaluated: 2024-09-06. Review status: criteria provided, single submitter. Criteria: GeneDx Variant Classification Process June 2021. Collection method: clinical testing. Allele origin: germline. Affected: yes.
Comment: Not observed at significant frequency in large population cohorts (gnomAD); In silico analysis supports that this missense variant has a deleterious effect on protein structure/function; Has not been previously published as pathogenic or benign to our knowledge

Blueprint Genetics
Classification: Uncertain significance. Last evaluated: 2024-07-04. Review status: criteria provided, single submitter. Criteria: ACMG Guidelines, 2015. Collection method: clinical testing. Allele origin: germline.

Women's Health and Genetics/Laboratory Corporation of America, LabCorp
Classification: Uncertain significance. Last evaluated: 2024-03-11. Review status: criteria provided, single submitter. Criteria: LabCorp Variant Classification Summary - May 2015. Collection method: clinical testing. Allele origin: germline.

Labcorp Genetics (formerly Invitae), Labcorp
Classification: Uncertain significance for Hypertrophic cardiomyopathy. Last evaluated: 2024-01-13. Review status: criteria provided, single submitter. Criteria: Invitae Variant Classification Sherloc (09022015). Collection method: clinical testing. Allele origin: germline.
Comment: This sequence change replaces glycine, which is neutral and non-polar, with valine, which is neutral and non-polar, at codon 291 of the MYBPC3 protein (p.Gly291Val). This variant is not present in population databases (gnomAD no frequency). This variant has not been reported in the literature in individuals affected with MYBPC3-related conditions. ClinVar contains an entry for this variant (Variation ID: 518987). An algorithm developed to predict the effect of missense changes on protein structure and function (PolyPhen-2) suggests that this variant is likely to be disruptive. In summary, the available evidence is currently insufficient to determine the role of this variant in disease. Therefore, it has been classified as a Variant of Uncertain Significance.

Ambry Genetics
Classification: Uncertain significance for Cardiovascular phenotype. Last evaluated: 2017-02-17. Review status: criteria provided, single submitter. Criteria: Ambry Variant Classification Scheme 2023. Collection method: clinical testing. Allele origin: germline.
Comment: The p.G291V variant (also known as c.872G>T), located in coding exon 9 of the MYBPC3 gene, results from a G to T substitution at nucleotide position 872. The glycine at codon 291 is replaced by valine, an amino acid with dissimilar properties. This amino acid position is well conserved in available vertebrate species. In addition, the in silico prediction for this alteration is inconclusive. Since supporting evidence is limited at this time, the clinical significance of this alteration remains unclear.